The following is an entry in ClinVar:

NM_000448.3(RAG1):c.2522G>A (p.Arg841Gln)

Gene: RAG1 (recombination activating 1; plus strand). Cytogenetic location: 11p12.
Variant type: single nucleotide variant.
Coding change: c.2522G>A on transcript NM_000448.3 (MANE Select); coding-DNA position 2522, G replaced by A.
Protein change: p.Arg841Gln; replaces arginine 841 with glutamine.
Molecular consequence: missense variant.
Genome position (GRCh38, 1-based): chr11:36,575,826, G>A. VCF-style: chr11-36575826-G-A. GRCh37 (hg19) VCF-style: chr11-36597376-G-A.
Other names: c.2522G>A, p.Arg841Gln (NM_001377277.1, NM_001377278.1, NM_001377279.1 and 1 more transcripts); short protein forms R841Q.
Identifiers: ClinVar variation 2137056 (VCV002137056.13), dbSNP rs748296558, ClinGen allele CA5950278.

ClinVar aggregate classification (germline): Pathogenic/Likely pathogenic. Review status: criteria provided, multiple submitters, no conflicts (2 of 4 stars). 6 submissions from 6 submitters: Pathogenic (3); Likely pathogenic (3). Last evaluated 2025-02-03.

Conditions:
Severe combined immunodeficiency, autosomal recessive, T cell-negative, B cell-negative, NK cell-positive. Also called: SCID, AR, T-cell negative, B-cell negative, NK cell-positive; Severe combined immunodeficiency due to complete RAG1/2 deficiency; SCID, T CELL-NEGATIVE, B CELL-NEGATIVE, NK CELL-POSITIVE. Identifiers: Orphanet 331206, MedGen C1832322, MONDO:0011086, OMIM 601457.
Combined immunodeficiency with skin granulomas. Identifiers: Orphanet 157949, MedGen C2673536, MONDO:0009306, OMIM 233650.
Combined immunodeficiency due to partial RAG1 deficiency. Identifiers: Orphanet 231154, MedGen C1835931, MONDO:0012359, OMIM 609889.
Severe combined immunodeficiency disease. Also called: Severe Combined Immune Deficiency; Severe combined immunodeficiency. Identifiers: Orphanet 183660, MedGen C0085110, MeSH D016511, MONDO:0015974, HP:0004430. Inheritance: X-Linked or Autosomal recessive.
Histiocytic medullary reticulosis. Also called: SEVERE COMBINED IMMUNODEFICIENCY WITH HYPEREOSINOPHILIA; Omenn syndrome. Identifiers: Orphanet 39041, MedGen C2700553, MONDO:0011338, OMIM 603554.

Allele frequency attached by ClinVar (database versions not stated): ExAC 0.00001; gnomAD 0.00001.
gnomAD v4.1: 14 of 1,614,096 alleles (0.00087%); highest among the groups gnomAD compares: South Asian, 0.0055%; no homozygotes.

Submissions (6):

Labcorp Genetics (formerly Invitae), Labcorp
Classification: Pathogenic for Combined immunodeficiency with skin granulomas; Severe combined immunodeficiency, autosomal recessive, T cell-negative, B cell-negative, NK cell-positive. Last evaluated: 2025-02-03. Review status: criteria provided, single submitter. Criteria: Invitae Variant Classification Sherloc (09022015). Collection method: clinical testing. Allele origin: germline.
Comment: This sequence change replaces arginine, which is basic and polar, with glutamine, which is neutral and polar, at codon 841 of the RAG1 protein (p.Arg841Gln). This variant is present in population databases (rs748296558, gnomAD 0.004%). This missense change has been observed in individuals with clinical features of severe combined immunodeficiency (PMID: 23891352, 32655540, 32888943). It has also been observed to segregate with disease in related individuals. ClinVar contains an entry for this variant (Variation ID: 2137056). Invitae Evidence Modeling of protein sequence and biophysical properties (such as structural, functional, and spatial information, amino acid conservation, physicochemical variation, residue mobility, and thermodynamic stability) has been performed for this missense variant. However, the output from this modeling did not meet the statistical confidence thresholds required to predict the impact of this variant on RAG1 protein function. Experimental studies have shown that this missense change affects RAG1 function (PMID: 23891352, 24290284, 32655540). This variant disrupts the p.Arg841 amino acid residue in RAG1. Other variant(s) that disrupt this residue have been determined to be pathogenic (PMID: 19246248, 24144642, 24290284, 28769923, 30307608). This suggests that this residue is clinically significant, and that variants that disrupt this residue are likely to be disease-causing. For these reasons, this variant has been classified as Pathogenic.

Fulgent Genetics
Classification: Pathogenic for Combined immunodeficiency with skin granulomas; Severe combined immunodeficiency, autosomal recessive, T cell-negative, B cell-negative, NK cell-positive; Histiocytic medullary reticulosis; Combined immunodeficiency due to partial RAG1 deficiency. Last evaluated: 2024-03-12. Review status: criteria provided, single submitter. Criteria: ACMG Guidelines, 2015. Collection method: clinical testing. Allele origin: germline.

Baylor Genetics
Classification: Likely pathogenic for Combined immunodeficiency due to partial RAG1 deficiency. Last evaluated: 2024-03-09. Review status: criteria provided, single submitter. Criteria: ACMG Guidelines, 2015. Collection method: clinical testing. Allele origin: unknown.

Women's Health and Genetics/Laboratory Corporation of America, LabCorp
Classification: Pathogenic for Severe combined immunodeficiency disease. Last evaluated: 2023-06-02. Review status: criteria provided, single submitter. Criteria: LabCorp Variant Classification Summary - May 2015. Collection method: clinical testing. Allele origin: germline.
Comment: Variant summary: RAG1 c.2522G>A (p.Arg841Gln) results in a conservative amino acid change to a highly conserved residue (HGMD) in the encoded protein sequence. Another missense variant (p.Arg841Trp) affecting the same amino acid is classified as pathogenic in ClinVar. Four of five in-silico tools predict a damaging effect of the variant on protein function. The variant allele was found at a frequency of 8e-06 in 250952 control chromosomes (gnomAD). c.2522G>A has been reported in the literature in individuals affected with Severe Combined Immunodeficiency or primary immunodeficiency (Henderson_2013, Platt_2021, Sharapova_2020), and these patients were reported as compound heterozygous with other RAG1 variants, one of which is classified as pathogenic in ClinVar. These data indicate that the variant is likely to be associated with disease. At least two publications report experimental evidence evaluating an impact on protein function in cells containing vectors with the variant, resulting in loss of RAG1 protein expression and ~0% of normal activity. The following publications have been ascertained in the context of this evaluation (PMID: 23891352, 32655540, 32888943). Two clinical diagnostic laboratories have submitted clinical-significance assessments for this variant to ClinVar after 2014, and classified the variant as pathogenic/likely pathogenic. Based on the evidence outlined above, the variant was classified as pathogenic.

Revvity Omics, Revvity
Classification: Likely pathogenic. Last evaluated: 2023-01-22. Review status: criteria provided, single submitter. Criteria: ACMG Guidelines, 2015. Collection method: clinical testing. Allele origin: germline.

Juno Genomics, Hangzhou Juno Genomics, Inc
Classification: Likely pathogenic for Combined immunodeficiency due to partial RAG1 deficiency; Combined immunodeficiency with skin granulomas; Histiocytic medullary reticulosis; Severe combined immunodeficiency, autosomal recessive, T cell-negative, B cell-negative, NK cell-positive. Review status: criteria provided, single submitter. Criteria: ACMG Guidelines, 2015. Collection method: clinical testing. Allele origin: germline.
Comment: Absent from controls (or at extremely low frequency if recessive) in Genome Aggregation Database.;Well-established in vitro or in vivo functional studies supportive of a damaging effect on the gene or gene product.;Novel missense change at an amino acid residue where a different missense change determined to be pathogenic has been seen before.;For recessive disorders, detected in trans with a pathogenic variant.;Patient's phenotype or family history is highly specific for a disease with a single genetic etiology.

Literature cited by the submitters: PubMed 23891352 (cited by Labcorp Genetics (formerly Invitae), Labcorp and Women's Health and Genetics/Laboratory Corporation of America, LabCorp); PubMed 32655540 (cited by Labcorp Genetics (formerly Invitae), Labcorp and Women's Health and Genetics/Laboratory Corporation of America, LabCorp); PubMed 32888943 (cited by Labcorp Genetics (formerly Invitae), Labcorp and Women's Health and Genetics/Laboratory Corporation of America, LabCorp); PubMed 24290284 (cited by Labcorp Genetics (formerly Invitae), Labcorp); PubMed 19246248 (cited by Labcorp Genetics (formerly Invitae), Labcorp); PubMed 24144642 (cited by Labcorp Genetics (formerly Invitae), Labcorp); PubMed 28769923 (cited by Labcorp Genetics (formerly Invitae), Labcorp); PubMed 30307608 (cited by Labcorp Genetics (formerly Invitae), Labcorp).